The following is an entry in ClinVar:

NM_030957.4(ADAMTS10):c.587T>A (p.Val196Glu)

Gene: ADAMTS10 (ADAM metallopeptidase with thrombospondin type 1 motif 10; minus strand). Cytogenetic location: 19p13.2.
Variant type: single nucleotide variant.
Coding change: c.587T>A on transcript NM_030957.4 (MANE Select); coding-DNA position 587, T replaced by A.
Protein change: p.Val196Glu; replaces valine 196 with glutamic acid.
Molecular consequence: missense variant.
Genome position (GRCh38, 1-based): chr19:8,603,733, A>T on the plus strand (T>A on the coding strand, the complement: ADAMTS10 is on the minus strand). VCF-style: chr19-8603733-A-T. GRCh37 (hg19) VCF-style: chr19-8668617-A-T.
Other names: c.587T>A (NM_030957.2); short protein forms V196E.
Identifiers: ClinVar variation 423062 (VCV000423062.10), dbSNP rs140867394, ClinGen allele CA9160797.

ClinVar aggregate classification (germline): Uncertain significance. Review status: criteria provided, multiple submitters, no conflicts (2 of 4 stars). 3 submissions from 3 submitters: Uncertain significance (3). Last evaluated 2025-11-12.

Conditions:
Inborn genetic diseases. Identifiers: MedGen C0950123, MeSH D030342.

Allele frequency attached by ClinVar (database versions not stated): ESP Exome Variant Server 0.00038; TOPMed 0.00008; gnomAD 0.00009; ExAC 0.00007; gnomAD exomes 0.00008 and 0.00021.
gnomAD v4.1: 316 of 1,613,684 alleles (0.02%); highest among the groups gnomAD compares: Non-Finnish European, 0.026%; no homozygotes.

Submissions (3):

Ambry Genetics
Classification: Uncertain significance for Inborn genetic diseases. Last evaluated: 2025-11-12. Review status: criteria provided, single submitter. Criteria: Ambry Variant Classification Scheme 2023. Collection method: clinical testing. Allele origin: germline.

Labcorp Genetics (formerly Invitae), Labcorp
Classification: Uncertain significance. Last evaluated: 2022-06-14. Review status: criteria provided, single submitter. Criteria: Invitae Variant Classification Sherloc (09022015). Collection method: clinical testing. Allele origin: germline.
Comment: This sequence change replaces valine, which is neutral and non-polar, with glutamic acid, which is acidic and polar, at codon 196 of the ADAMTS10 protein (p.Val196Glu). This variant is present in population databases (rs140867394, gnomAD 0.02%). This variant has not been reported in the literature in individuals affected with ADAMTS10-related conditions. ClinVar contains an entry for this variant (Variation ID: 423062). Algorithms developed to predict the effect of missense changes on protein structure and function are either unavailable or do not agree on the potential impact of this missense change (SIFT: "Deleterious"; PolyPhen-2: "Possibly Damaging"; Align-GVGD: "Class C0"). In summary, the available evidence is currently insufficient to determine the role of this variant in disease. Therefore, it has been classified as a Variant of Uncertain Significance.

GeneDx
Classification: Uncertain significance. Last evaluated: 2017-01-27. Review status: criteria provided, single submitter. Criteria: GeneDx Variant Classification (06012015). Collection method: clinical testing. Allele origin: germline. Affected: yes.
Comment: The V196E variant in the ADAMTS10 gene has not been reported previously as a pathogenic variant, nor as a benign variant, to our knowledge. This variant is not observed at a significant frequency in large population cohorts (Lek et al., 2016; 1000 Genomes Consortium et al., 2015; Exome Variant Server). The V196E variant is a non-conservative amino acid substitution, which is likely to impact secondary protein structure as these residues differ in polarity, charge, size and/or other properties. This substitution occurs at a position that is conserved across species. In silico analysis is inconsistent in its predictions as to whether or not the variant is damaging to the protein structure/function. We interpret V196E as a variant of uncertain significance.